The following is an entry in ClinVar:

ClinVar aggregate classification (germline): Uncertain significance (1 of 4 stars; one submission).

Submission:

GeneDx
Classification: Uncertain significance. Last evaluated: 2024-12-16. Review status: criteria provided, single submitter. Criteria: GeneDx Variant Classification Process June 2021. Collection method: clinical testing. Allele origin: germline. Affected: yes.
Comment: Not observed at significant frequency in large population cohorts (gnomAD); In silico analysis supports that this missense variant has a deleterious effect on protein structure/function; In silico analysis supports a deleterious effect on splicing; Has not been previously published as pathogenic or benign to our knowledge

NM_015311.3(OBSL1):c.4940C>G (p.Thr1647Arg)

Gene: OBSL1 (obscurin like cytoskeletal adaptor 1; minus strand). Cytogenetic location: 2q35.
Variant type: single nucleotide variant.
Coding change: c.4940C>G on transcript NM_015311.3 (MANE Select); coding-DNA position 4940, C replaced by G.
Protein change: p.Thr1647Arg; replaces threonine 1647 with arginine.
Molecular consequence: missense variant.
Genome position (GRCh38, 1-based): chr2:219,553,623, G>C on the plus strand (C>G on the coding strand, the complement: OBSL1 is on the minus strand). VCF-style: chr2-219553623-G-C. GRCh37 (hg19) VCF-style: chr2-220418345-G-C.
Other names: short protein forms T1647R.
Identifiers: ClinVar variation 3902996 (VCV003902996.1).